The following is an entry in ClinVar:

ClinVar aggregate classification (germline): Likely pathogenic (1 of 4 stars; one submission).

Conditions:
CEP120-related disorder. Also called: CEP120-related condition; CEP120-Related Disorders.

Submission:

Women's Health and Genetics/Laboratory Corporation of America, LabCorp
Classification: Likely pathogenic for CEP120-Related Disorders. Last evaluated: 2025-10-08. Review status: criteria provided, single submitter. Criteria: LabCorp Variant Classification Summary - May 2015. Collection method: clinical testing. Allele origin: germline.
Comment: Variant summary: CEP120 c.321+2T>A is located in a canonical splice-site and is predicted to affect mRNA splicing resulting in a significantly altered protein due to either exon skipping, shortening, or inclusion of intronic material. Variants that disrupt the consensus splice site are a relatively common cause of aberrant splicing and loss of CEP120 function. Several computational tools predict a significant impact on normal splicing: Four predict the variant abolishes a 5' splicing donor site. However, these predictions have yet to be confirmed by functional studies. The variant was absent in 247980 control chromosomes. To our knowledge, no occurrence of c.321+2T>A in individuals affected with CEP120-related conditions and no experimental evidence demonstrating its impact on protein function have been reported. No submitters have cited clinical-significance assessments for this variant to ClinVar. Based on the evidence outlined above, the variant was classified as likely pathogenic.

NM_001375405.1(CEP120):c.321+2T>A

Gene: CEP120 (centrosomal protein 120; minus strand). Cytogenetic location: 5q23.2.
Variant type: single nucleotide variant.
Coding change: c.321+2T>A on transcript NM_001375405.1 (MANE Select); the canonical splice donor site of the intron after coding-DNA position 321, T replaced by A.
Molecular consequence: splice donor variant.
Genome position (GRCh38, 1-based): chr5:123,416,008, A>T on the plus strand (T>A on the coding strand, the complement: CEP120 is on the minus strand). VCF-style: chr5-123416008-A-T. GRCh37 (hg19) VCF-style: chr5-122751702-A-T.
Other names: c.243+2T>A (NM_001166226.2); c.321+2T>A (NM_153223.4, NM_001375406.1, NM_001375407.1); c.-428+2T>A (NM_001375408.1); c.-370+2T>A (NM_001375409.1).
Identifiers: ClinVar variation 4687469 (VCV004687469.1).